The following is an entry in ClinVar:

NM_005506.4(SCARB2):c.235del (p.Glu79fs)

Gene: SCARB2 (scavenger receptor class B member 2; minus strand). Cytogenetic location: 4q21.1.
Variant type: Deletion.
Coding change: c.235del on transcript NM_005506.4 (MANE Select); coding-DNA position 235, one base deleted (G; older notation c.235delG).
Protein change: p.Glu79fs; shifts the reading frame from glutamic acid 79.
Molecular consequence: frameshift variant.
Genome position (GRCh38, 1-based): chr4:76,195,747, C deleted on the plus strand (G on the coding strand, the reverse complement: SCARB2 is on the minus strand); the first of 4 consecutive C bases (chr4:76,195,747-76,195,750); deleting any one gives the same sequence. VCF-style (leftmost placement, unchanged base first): chr4-76195746-TC-T. GRCh37 (hg19) VCF-style: chr4-77116899-TC-T.
Other names: c.235del, p.Glu79fs (NM_001204255.2); short protein forms E79fs.
Identifiers: ClinVar variation 1451782 (VCV001451782.8), dbSNP rs1732698125, ClinGen allele CA1469500885.

ClinVar aggregate classification (germline): Pathogenic/Likely pathogenic. Review status: criteria provided, multiple submitters, no conflicts (2 of 4 stars). 2 submissions from 2 submitters: Pathogenic (1); Likely pathogenic (1). Last evaluated 2022-08-24.

Conditions:
Progressive myoclonic epilepsy. Also called: Familial progressive myoclonic epilepsy; Myoclonic Epilepsies, Progressive; Progressive myoclonus epilepsy; Myoclonus epilepsy. Identifiers: Orphanet 308, Orphanet 98261, MedGen C0751778, MONDO:0020074.
Action myoclonus-renal failure syndrome. Also called: MYOCLONUS-NEPHROPATHY SYNDROME; SCARB2-Related Action Myoclonus-Renal Failure Syndrome; EPILEPSY, PROGRESSIVE MYOCLONIC, 4, WITH RENAL FAILURE; EPILEPSY, PROGRESSIVE MYOCLONIC, 4, WITHOUT RENAL FAILURE. Identifiers: Orphanet 163696, MedGen C0751779, MeSH D020191, MONDO:0009699, OMIM 254900.

Submissions (2):

Revvity Omics, Revvity
Classification: Likely pathogenic for Action myoclonus-renal failure syndrome. Last evaluated: 2022-08-24. Review status: criteria provided, single submitter. Criteria: ACMG Guidelines, 2015. Collection method: clinical testing. Allele origin: germline.

Labcorp Genetics (formerly Invitae), Labcorp
Classification: Pathogenic for Progressive myoclonic epilepsy. Last evaluated: 2021-06-07. Review status: criteria provided, single submitter. Criteria: Invitae Variant Classification Sherloc (09022015). Collection method: clinical testing. Allele origin: germline.
Comment: This sequence change creates a premature translational stop signal (p.Glu79Argfs*54) in the SCARB2 gene. It is expected to result in an absent or disrupted protein product. Loss-of-function variants in SCARB2 are known to be pathogenic (PMID: 19847901). This variant is not present in population databases (ExAC no frequency). This variant has not been reported in the literature in individuals with SCARB2-related conditions. For these reasons, this variant has been classified as Pathogenic.

Literature cited by the submitters: PubMed 19847901 (cited by Labcorp Genetics (formerly Invitae), Labcorp).